The following is an entry in ClinVar:

NM_145725.3(TRAF3):c.735C>A (p.Asn245Lys)

Gene: TRAF3 (TNF receptor associated factor 3; plus strand). Cytogenetic location: 14q32.32.
Variant type: single nucleotide variant.
Coding change: c.735C>A on transcript NM_145725.3 (MANE Select); coding-DNA position 735, C replaced by A.
Protein change: p.Asn245Lys; replaces asparagine 245 with lysine.
Molecular consequence: missense variant. On other transcripts: intron variant (1).
Genome position (GRCh38, 1-based): chr14:102,891,333, C>A. VCF-style: chr14-102891333-C-A. GRCh37 (hg19) VCF-style: chr14-103357670-C-A.
Other names: c.735C>A, p.Asn245Lys (NM_001385142.1, NM_003300.4); c.654C>A, p.Asn218Lys (NM_001385143.1); c.660C>A, p.Asn220Lys (NM_145726.3); c.571-5928C>A (NM_001199427.2); short protein forms N220K, N245K, N218K.
Identifiers: ClinVar variation 644351 (VCV000644351.10), dbSNP rs753624346, ClinGen allele CA7359384.

ClinVar aggregate classification (germline): Uncertain significance. Review status: criteria provided, multiple submitters, no conflicts (2 of 4 stars). 2 submissions from 2 submitters: Uncertain significance (2). Last evaluated 2025-08-22.

Conditions:
Immunodeficiency 132A. Also called: Herpes simplex encephalitis, susceptibility to, 3. Identifiers: Orphanet 1930, MedGen C3553868, MONDO:0013920, OMIM 614849.

Allele frequency attached by ClinVar (database versions not stated): ExAC 0.00004; gnomAD 0.00001; gnomAD exomes 0.00001; TOPMed 0.00002.
gnomAD v4.1: 10 of 1,613,012 alleles (0.00062%); highest among the groups gnomAD compares: Non-Finnish European, 0.00076%; no homozygotes.

Submissions (2):

Ambry Genetics
Classification: Uncertain significance. Last evaluated: 2025-08-22. Review status: criteria provided, single submitter. Criteria: Ambry Variant Classification Scheme 2023. Collection method: clinical testing. Allele origin: germline.

Labcorp Genetics (formerly Invitae), Labcorp
Classification: Uncertain significance for Immunodeficiency 132A. Last evaluated: 2024-01-22. Review status: criteria provided, single submitter. Criteria: Invitae Variant Classification Sherloc (09022015). Collection method: clinical testing. Allele origin: germline.
Comment: This sequence change replaces asparagine, which is neutral and polar, with lysine, which is basic and polar, at codon 245 of the TRAF3 protein (p.Asn245Lys). This variant is present in population databases (rs753624346, gnomAD 0.004%). This variant has not been reported in the literature in individuals affected with TRAF3-related conditions. ClinVar contains an entry for this variant (Variation ID: 644351). An algorithm developed to predict the effect of missense changes on protein structure and function (PolyPhen-2) suggests that this variant is likely to be tolerated. In summary, the available evidence is currently insufficient to determine the role of this variant in disease. Therefore, it has been classified as a Variant of Uncertain Significance.